The following is an entry in ClinVar:

ClinVar aggregate classification (germline): Benign/Likely benign. Review status: criteria provided, multiple submitters, no conflicts (2 of 4 stars). 3 submissions from 3 submitters: Benign (1); Likely benign (2). Last evaluated 2025-06-06.

Conditions:
Hereditary cancer-predisposing syndrome. Also called: Hereditary Cancer Syndrome; Hereditary neoplastic syndrome; Neoplastic Syndromes, Hereditary; Tumor predisposition. Identifiers: Orphanet 140162, MedGen C0027672, MeSH D009386, MONDO:0015356.
Tuberous sclerosis 2 (TSC2). Identifiers: Orphanet 805, MedGen C1860707, MONDO:0013199, OMIM 613254.

Submissions (3):

Myriad Genetics, Inc.
Classification: Benign for Tuberous sclerosis 2. Last evaluated: 2025-06-06. Review status: criteria provided, single submitter. Criteria: Myriad Autosomal Dominant, Autosomal Recessive and X-Linked Classification Criteria (2023). Collection method: clinical testing. Allele origin: unknown.
Comment: This variant is considered benign. This variant is a silent/synonymous amino acid change and it is not expected to impact splicing.

Labcorp Genetics (formerly Invitae), Labcorp
Classification: Likely benign for Tuberous sclerosis 2. Last evaluated: 2025-01-26. Review status: criteria provided, single submitter. Criteria: Invitae Variant Classification Sherloc (09022015). Collection method: clinical testing. Allele origin: germline.

Ambry Genetics
Classification: Likely benign for Hereditary cancer-predisposing syndrome. Last evaluated: 2019-12-29. Review status: criteria provided, single submitter. Criteria: Ambry Variant Classification Scheme 2023. Collection method: clinical testing. Allele origin: germline.

NM_000548.5(TSC2):c.5277C>G (p.Ala1759=)

Gene: TSC2 (TSC complex subunit 2; plus strand). Cytogenetic location: 16p13.3.
Variant type: single nucleotide variant.
Coding change: c.5277C>G on transcript NM_000548.5 (MANE Select); coding-DNA position 5277, C replaced by G.
Protein change: p.Ala1759=; no amino-acid change (alanine 1759 retained).
Molecular consequence: synonymous variant.
Genome position (GRCh38, 1-based): chr16:2,088,463, C>G. VCF-style: chr16-2088463-C-G. GRCh37 (hg19) VCF-style: chr16-2138464-C-G.
Other names: c.5076C>G, p.Ala1692= (NM_001077183.3); c.5208C>G, p.Ala1736= (NM_001114382.3); c.4968C>G, p.Ala1656= (NM_001318827.2); c.4932C>G, p.Ala1644= (NM_001318829.2); c.4545C>G, p.Ala1515= (NM_001318831.2); c.5109C>G, p.Ala1703= (NM_001318832.2); c.5079C>G, p.Ala1693= (NM_001363528.2); c.5145C>G, p.Ala1715= (NM_001370404.1); and 2 more.
Identifiers: ClinVar variation 1152651 (VCV001152651.12), dbSNP rs2151638252, ClinGen allele CA493043658.
Genomic context (GRCh38, chr16:2,088,463, plus strand): 5'-CCACGCCTCCCAGACTTACTGCCCAAGCCGCCTCTGCCTTCAGATCTGCGAGGAAGCCGC[C>G]TACTCCAACCCCAGCCTACCTCTGGTGCACCCTCCGTCCCATAGCAAAGCCCCTGCACAG-3'
Protein context (NP_000539.2, residues 1749-1769): RLRQRICEEA[Ala1759=]YSNPSLPLVH